The following is an entry in ClinVar:

NM_001918.5(DBT):c.*5317T>C

Gene: DBT (dihydrolipoamide branched chain transacylase E2; minus strand). Cytogenetic location: 1p21.2.
Variant type: single nucleotide variant.
Coding change: c.*5317T>C on transcript NM_001918.5 (MANE Select); 5317 bases downstream of the stop codon, T replaced by C.
Molecular consequence: 3 prime UTR variant.
Genome position (GRCh38, 1-based): chr1:100,190,938, A>G on the plus strand (T>C on the coding strand, the complement: DBT is on the minus strand). VCF-style: chr1-100190938-A-G. GRCh37 (hg19) VCF-style: chr1-100656494-A-G.
Identifiers: ClinVar variation 291406 (VCV000291406.9), dbSNP rs11166413, ClinGen allele CA10607152.

ClinVar aggregate classification (germline): Benign. Review status: criteria provided, multiple submitters, no conflicts (2 of 4 stars). 4 submissions from 4 submitters: Benign (4). Last evaluated 2023-04-11.

Conditions:
Maple syrup urine disease (MSUD). Identifiers: Orphanet 511, MedGen C0024776, MeSH D008375, MONDO:0009563. Disease mechanism: loss of function.

Allele frequency attached by ClinVar (database versions not stated): 1000 Genomes Project 30x 0.25843; 1000 Genomes Project 0.26378; TOPMed 0.29577; gnomAD 0.30273 and 0.30478.

Submissions (4):

Genome-Nilou Lab
Classification: Benign for Maple syrup urine disease type 1A. Last evaluated: 2023-04-11. Review status: criteria provided, single submitter. Criteria: ACMG Guidelines, 2015. Collection method: clinical testing. Allele origin: germline. Affected: no.

GeneDx
Classification: Benign. Last evaluated: 2018-06-29. Review status: criteria provided, single submitter. Criteria: GeneDx Variant Classification Process June 2021. Collection method: clinical testing. Allele origin: germline. Affected: yes.

Illumina Laboratory Services, Illumina
Classification: Benign for Maple syrup urine disease type 1A. Last evaluated: 2018-01-13. Review status: criteria provided, single submitter. Criteria: ICSL Variant Classification Criteria 13 December 2019. Collection method: clinical testing. Allele origin: germline.
Comment: This variant was observed in the ICSL laboratory as part of a predisposition screen in an ostensibly healthy population. It had not been previously curated by ICSL or reported in the Human Gene Mutation Database (HGMD: prior to June 1st, 2018), and was therefore a candidate for classification through an automated scoring system. Utilizing variant allele frequency, disease prevalence and penetrance estimates, and inheritance mode, an automated score was calculated to assess if this variant is too frequent to cause the disease. Based on the score and internal cut-off values, a variant classified as benign is not then subjected to further curation. The score for this variant resulted in a classification of benign for this disease.

Breakthrough Genomics
Classification: Benign. Review status: criteria provided, single submitter. Criteria: ACMG Guidelines, 2015. Collection method: not provided. Allele origin: germline. Inheritance: Autosomal recessive inheritance. Affected: yes.